The following is an entry in ClinVar:

ClinVar aggregate classification (germline): Uncertain significance (1 of 4 stars; one submission).

Conditions:
Multiple gastrointestinal atresias. Also called: FAMILIAL INTESTINAL POLYATRESIA SYNDROME; Multiple intestinal atresia. Identifiers: Orphanet 2300, MedGen C0220744, MONDO:0009465.

Allele frequency attached by ClinVar (database versions not stated): gnomAD exomes below 0.00001 and 0.00001; TOPMed 0.00001; gnomAD 0.00001.
gnomAD v4.1: 4 of 1,556,348 alleles (0.00026%); highest among the groups gnomAD compares: Admixed American, 0.0019%; no homozygotes.

Submission:

Labcorp Genetics (formerly Invitae), Labcorp
Classification: Uncertain significance for Multiple gastrointestinal atresias. Last evaluated: 2021-01-20. Review status: criteria provided, single submitter. Criteria: Invitae Variant Classification Sherloc (09022015). Collection method: clinical testing. Allele origin: germline.
Comment: This sequence change replaces histidine with tyrosine at codon 25 of the TTC7A protein (p.His25Tyr). The histidine residue is weakly conserved and there is a moderate physicochemical difference between histidine and tyrosine. The frequency data for this variant in the population databases is considered unreliable, as metrics indicate insufficient coverage at this position in the ExAC database. This variant has not been reported in the literature in individuals with TTC7A-related conditions. Algorithms developed to predict the effect of missense changes on protein structure and function (SIFT, PolyPhen-2, Align-GVGD) all suggest that this variant is likely to be tolerated, but these predictions have not been confirmed by published functional studies and their clinical significance is uncertain. In summary, the available evidence is currently insufficient to determine the role of this variant in disease. Therefore, it has been classified as a Variant of Uncertain Significance.

NM_020458.4(TTC7A):c.73C>T (p.His25Tyr)

Genes: MCFD2 (multiple coagulation factor deficiency 2, ER cargo receptor complex subunit; minus strand), TTC7A (tetratricopeptide repeat domain 7A; plus strand). Cytogenetic location: 2p21.
Variant type: single nucleotide variant.
Coding change: c.73C>T on transcript NM_020458.4 (MANE Select); coding-DNA position 73, C replaced by T.
Protein change: p.His25Tyr; replaces histidine 25 with tyrosine.
Molecular consequence: missense variant. On other transcripts: 5 prime UTR variant (2), nonsense (1), intron variant (1).
Genome position (GRCh38, 1-based): chr2:46,941,614, C>T. VCF-style: chr2-46941614-C-T. GRCh37 (hg19) VCF-style: chr2-47168753-C-T.
Other names: c.73C>T, p.His25Tyr (NM_001288951.2); c.-832C>T (NM_001288955.2); c.-49G>A (NM_001171508.2); c.50G>A, p.Trp17Ter (NM_001171511.3); c.83-8749C>T (NM_001288953.2); short protein forms H25Y, W17*.
Identifiers: ClinVar variation 1499268 (VCV001499268.8), dbSNP rs910842442, ClinGen allele CA46612990.